The following is an entry in ClinVar:

ClinVar aggregate classification (germline): Pathogenic/Likely pathogenic. Review status: criteria provided, multiple submitters, no conflicts (2 of 4 stars). 2 submissions from 2 submitters: Pathogenic (1); Likely pathogenic (1). Last evaluated 2025-03-25.

Conditions:
Persistent Mullerian duct syndrome (PMDS). Also called: HERNIA UTERI INGUINALE; PERSISTENT OVIDUCT SYNDROME; PSEUDOHERMAPHRODITISM, MALE INTERNAL; PERSISTENT MULLERIAN DUCT SYNDROME, TYPES I AND II; FEMALE GENITAL DUCTS IN OTHERWISE NORMAL MALE. Identifiers: Orphanet 2856, MedGen C1849930, MONDO:0009857, OMIM 261550.

Allele frequency attached by ClinVar (database versions not stated): ExAC 0.00001; gnomAD 0.00003; TOPMed 0.00003.
gnomAD v4.1: 17 of 1,614,044 alleles (0.0011%); highest among the groups gnomAD compares: South Asian, 0.0033%; no homozygotes.

Submissions (2):

Women's Health and Genetics/Laboratory Corporation of America, LabCorp
Classification: Likely pathogenic for Persistent Mullerian duct syndrome. Last evaluated: 2025-03-25. Review status: criteria provided, single submitter. Criteria: LabCorp Variant Classification Summary - May 2015. Collection method: clinical testing. Allele origin: germline.
Comment: Variant summary: AMHR2 c.1412G>A (p.Arg471His) results in a non-conservative amino acid change in the encoded protein sequence. Four of five in-silico tools predict a benign effect of the variant on protein function. The variant allele was found at a frequency of 1.6e-05 in 251478 control chromosomes. c.1412G>A has been reported in the compound heterozygous state in the literature in multiple individuals affected with Persistent Mullerian duct syndrome (example, Avolio_2003, Globa_2022, Globa_2020) including at least 1 individual who carried a pathogenic variant in trans and at least 1 family where it segregated with disease. These data indicate that the variant may be associated with disease. To our knowledge, no experimental evidence demonstrating an impact on protein function has been reported. The following publications have been ascertained in the context of this evaluation (PMID: 12893352, 35432193, 33691324). ClinVar contains an entry for this variant (Variation ID: 2884050). Based on the evidence outlined above, the variant was classified as likely pathogenic.

Labcorp Genetics (formerly Invitae), Labcorp
Classification: Pathogenic. Last evaluated: 2023-02-24. Review status: criteria provided, single submitter. Criteria: Invitae Variant Classification Sherloc (09022015). Collection method: clinical testing. Allele origin: germline.
Comment: For these reasons, this variant has been classified as Pathogenic. Advanced modeling of protein sequence and biophysical properties (such as structural, functional, and spatial information, amino acid conservation, physicochemical variation, residue mobility, and thermodynamic stability) performed at Invitae indicates that this missense variant is not expected to disrupt AMHR2 protein function. This missense change has been observed in individual(s) with persistent mullerian duct syndrome (PMID: 12893352, 33691324). In at least one individual the data is consistent with being in trans (on the opposite chromosome) from a pathogenic variant. It has also been observed to segregate with disease in related individuals. This variant is present in population databases (rs767904039, gnomAD 0.004%). This sequence change replaces arginine, which is basic and polar, with histidine, which is basic and polar, at codon 471 of the AMHR2 protein (p.Arg471His).

Literature cited by the submitters: PubMed 35432193 (cited by Women's Health and Genetics/Laboratory Corporation of America, LabCorp); PubMed 12893352 (cited by Women's Health and Genetics/Laboratory Corporation of America, LabCorp and Labcorp Genetics (formerly Invitae), Labcorp); PubMed 33691324 (cited by Women's Health and Genetics/Laboratory Corporation of America, LabCorp and Labcorp Genetics (formerly Invitae), Labcorp).

NM_020547.3(AMHR2):c.1412G>A (p.Arg471His)

Gene: AMHR2 (anti-Mullerian hormone receptor type 2; plus strand). Cytogenetic location: 12q13.13.
Variant type: single nucleotide variant.
Coding change: c.1412G>A on transcript NM_020547.3 (MANE Select); coding-DNA position 1412, G replaced by A.
Protein change: p.Arg471His; replaces arginine 471 with histidine.
Molecular consequence: missense variant. On other transcripts: intron variant (1).
Genome position (GRCh38, 1-based): chr12:53,430,269, G>A. VCF-style: chr12-53430269-G-A. GRCh37 (hg19) VCF-style: chr12-53824053-G-A.
Other names: c.1408G>A, p.Ala470Thr (NM_001164690.2); c.1140+644G>A (NM_001164691.2); short protein forms R471H, A470T.
Identifiers: ClinVar variation 2884050 (VCV002884050.4), dbSNP rs767904039, ClinGen allele CA6600601.